The following is an entry in ClinVar:

NM_016203.4(PRKAG2):c.649C>T (p.Leu217=)

Gene: PRKAG2 (protein kinase AMP-activated non-catalytic subunit gamma 2; minus strand). Cytogenetic location: 7q36.1.
Variant type: single nucleotide variant.
Coding change: c.649C>T on transcript NM_016203.4 (MANE Select); coding-DNA position 649, C replaced by T.
Protein change: p.Leu217=; no amino-acid change (leucine 217 retained).
Molecular consequence: synonymous variant.
Genome position (GRCh38, 1-based): chr7:151,675,455, G>A on the plus strand (C>T on the coding strand, the complement: PRKAG2 is on the minus strand). VCF-style: chr7-151675455-G-A. GRCh37 (hg19) VCF-style: chr7-151372541-G-A.
Other names: c.517C>T, p.Leu173= (NM_001040633.2); c.277C>T, p.Leu93= (NM_001304527.2, NM_001363698.2).
Identifiers: ClinVar variation 511718 (VCV000511718.1), dbSNP rs1554530565, ClinGen allele CA458798296.

ClinVar aggregate classification (germline): Likely benign (1 of 4 stars; one submission).

Submission:

GeneDx
Classification: Likely benign. Last evaluated: 2017-08-24. Review status: criteria provided, single submitter. Criteria: GeneDx Variant Classification (06012015). Collection method: clinical testing. Allele origin: germline. Affected: yes.
Comment: This variant is considered likely benign or benign based on one or more of the following criteria: it is a conservative change, it occurs at a poorly conserved position in the protein, it is predicted to be benign by multiple in silico algorithms, and/or has population frequency not consistent with disease.